The following is an entry in ClinVar:

ClinVar aggregate classification (germline): Uncertain significance. Review status: criteria provided, multiple submitters, no conflicts (2 of 4 stars). 2 submissions from 2 submitters: Uncertain significance (2). Last evaluated 2024-09-04.

Allele frequency attached by ClinVar (database versions not stated): gnomAD exomes below 0.00001; gnomAD 0.00001; TOPMed 0.00001.
gnomAD v4.1: 3 of 1,612,010 alleles (0.00019%); highest among the groups gnomAD compares: African/African-American, 0.004%; no homozygotes.

Submissions (2):

GeneDx
Classification: Uncertain significance. Last evaluated: 2024-09-04. Review status: criteria provided, single submitter. Criteria: GeneDx Variant Classification Process June 2021. Collection method: clinical testing. Allele origin: germline. Affected: yes.
Comment: Not observed at significant frequency in large population cohorts (gnomAD); In silico analysis indicates that this missense variant does not alter protein structure/function; Has not been previously published as pathogenic or benign to our knowledge

Labcorp Genetics (formerly Invitae), Labcorp
Classification: Uncertain significance. Last evaluated: 2022-07-06. Review status: criteria provided, single submitter. Criteria: Invitae Variant Classification Sherloc (09022015). Collection method: clinical testing. Allele origin: germline.
Comment: Advanced modeling of protein sequence and biophysical properties (such as structural, functional, and spatial information, amino acid conservation, physicochemical variation, residue mobility, and thermodynamic stability) performed at Invitae indicates that this missense variant is not expected to disrupt NALCN protein function. This variant has not been reported in the literature in individuals affected with NALCN-related conditions. This variant is not present in population databases (gnomAD no frequency). This sequence change replaces alanine, which is neutral and non-polar, with serine, which is neutral and polar, at codon 1414 of the NALCN protein (p.Ala1414Ser). In summary, the available evidence is currently insufficient to determine the role of this variant in disease. Therefore, it has been classified as a Variant of Uncertain Significance.

NM_052867.4(NALCN):c.4240G>T (p.Ala1414Ser)

Gene: NALCN (sodium leak channel, non-selective; minus strand). Cytogenetic location: 13q32.3.
Variant type: single nucleotide variant.
Coding change: c.4240G>T on transcript NM_052867.4 (MANE Select); coding-DNA position 4240, G replaced by T.
Protein change: p.Ala1414Ser; replaces alanine 1414 with serine.
Molecular consequence: missense variant.
Genome position (GRCh38, 1-based): chr13:101,068,785, C>A on the plus strand (G>T on the coding strand, the complement: NALCN is on the minus strand). VCF-style: chr13-101068785-C-A. GRCh37 (hg19) VCF-style: chr13-101721137-C-A.
Other names: c.4327G>T, p.Ala1443Ser (NM_001350748.2); c.4240G>T, p.Ala1414Ser (NM_001350749.2); c.4153G>T, p.Ala1385Ser (NM_001350750.2, NM_001350751.2); c.4240G>T (NM_052867.2); short protein forms A1414S, A1443S, A1385S.
Identifiers: ClinVar variation 2083544 (VCV002083544.5), dbSNP rs1412610225, ClinGen allele CA388647481.